The following is an entry in ClinVar:

ClinVar aggregate classification (germline): Uncertain significance. Review status: criteria provided, multiple submitters, no conflicts (2 of 4 stars). 2 submissions from 2 submitters: Uncertain significance (2). Last evaluated 2024-07-16.

Conditions:
Hereditary cancer-predisposing syndrome. Also called: Neoplastic Syndromes, Hereditary; Tumor predisposition; Hereditary Cancer Syndrome; Hereditary neoplastic syndrome. Identifiers: Orphanet 140162, MedGen C0027672, MeSH D009386, MONDO:0015356.
Breast-ovarian cancer, familial, susceptibility to, 4. Identifiers: Orphanet 145, MedGen C3280345, MONDO:0013669, OMIM 614291.

Submissions (2):

Labcorp Genetics (formerly Invitae), Labcorp
Classification: Uncertain significance for Breast-ovarian cancer, familial, susceptibility to, 4. Last evaluated: 2024-07-16. Review status: criteria provided, single submitter. Criteria: Invitae Variant Classification Sherloc (09022015). Collection method: clinical testing. Allele origin: germline.
Comment: This sequence change replaces aspartic acid, which is acidic and polar, with glycine, which is neutral and non-polar, at codon 94 of the RAD51D protein (p.Asp94Gly). This variant is not present in population databases (gnomAD no frequency). This variant has not been reported in the literature in individuals affected with RAD51D-related conditions. Advanced modeling of protein sequence and biophysical properties (such as structural, functional, and spatial information, amino acid conservation, physicochemical variation, residue mobility, and thermodynamic stability) performed at Invitae indicates that this missense variant is not expected to disrupt RAD51D protein function with a negative predictive value of 80%. In summary, the available evidence is currently insufficient to determine the role of this variant in disease. Therefore, it has been classified as a Variant of Uncertain Significance.

Ambry Genetics
Classification: Uncertain significance for Hereditary cancer-predisposing syndrome. Last evaluated: 2024-07-09. Review status: criteria provided, single submitter. Criteria: Ambry Variant Classification Scheme 2023. Collection method: clinical testing. Allele origin: germline.
Comment: The p.D94G variant (also known as c.281A>G), located in coding exon 4 of the RAD51D gene, results from an A to G substitution at nucleotide position 281. The aspartic acid at codon 94 is replaced by glycine, an amino acid with similar properties. This amino acid position is conserved. In addition, the in silico prediction for this alteration is inconclusive. Based on the available evidence, the clinical significance of this variant remains unclear.

NM_002878.4(RAD51D):c.281A>G (p.Asp94Gly)

Genes: RAD51D (RAD51 paralog D; minus strand), RAD51L3-RFFL (RAD51L3-RFFL readthrough; minus strand). Cytogenetic location: 17q12.
Variant type: single nucleotide variant.
Coding change: c.281A>G on transcript NM_002878.4 (MANE Select); coding-DNA position 281, A replaced by G.
Protein change: p.Asp94Gly; replaces aspartic acid 94 with glycine.
Molecular consequence: missense variant. On other transcripts: non-coding transcript variant (2), intron variant (1).
Genome position (GRCh38, 1-based): chr17:35,107,430, T>C on the plus strand (A>G on the coding strand, the complement: RAD51D is on the minus strand). VCF-style: chr17-35107430-T-C. GRCh37 (hg19) VCF-style: chr17-33434449-T-C.
Other names: c.341A>G, p.Asp114Gly (NM_001142571.2); c.145-949A>G (NM_133629.3); short protein forms D114G, D94G.
Identifiers: ClinVar variation 3429742 (VCV003429742.3).